The following is an entry in ClinVar:

NM_001270508.2(TNFAIP3):c.221A>C (p.Gln74Pro)

Gene: TNFAIP3 (TNF alpha induced protein 3; plus strand). Cytogenetic location: 6q23.3.
Variant type: single nucleotide variant.
Coding change: c.221A>C on transcript NM_001270508.2 (MANE Select); coding-DNA position 221, A replaced by C.
Protein change: p.Gln74Pro; replaces glutamine 74 with proline.
Molecular consequence: missense variant.
Genome position (GRCh38, 1-based): chr6:137,871,448, A>C. VCF-style: chr6-137871448-A-C. GRCh37 (hg19) VCF-style: chr6-138192585-A-C.
Other names: c.221A>C, p.Gln74Pro (NM_001270507.2, NM_006290.4); short protein forms Q74P.
Identifiers: ClinVar variation 3001796 (VCV003001796.3), dbSNP rs1391482330, ClinGen allele CA365780659.

ClinVar aggregate classification (germline): Uncertain significance (1 of 4 stars; one submission).

Allele frequency attached by ClinVar (database versions not stated): gnomAD exomes below 0.00001; TOPMed below 0.00001.
gnomAD v4.1: 4 of 1,614,204 alleles (0.00025%); highest among the groups gnomAD compares: Middle Eastern, 0.033%; no homozygotes.

Submission:

Labcorp Genetics (formerly Invitae), Labcorp
Classification: Uncertain significance. Last evaluated: 2023-03-11. Review status: criteria provided, single submitter. Criteria: Invitae Variant Classification Sherloc (09022015). Collection method: clinical testing. Allele origin: germline.
Comment: In summary, the available evidence is currently insufficient to determine the role of this variant in disease. Therefore, it has been classified as a Variant of Uncertain Significance. Advanced modeling of protein sequence and biophysical properties (such as structural, functional, and spatial information, amino acid conservation, physicochemical variation, residue mobility, and thermodynamic stability) has been performed at Invitae for this missense variant, however the output from this modeling did not meet the statistical confidence thresholds required to predict the impact of this variant on TNFAIP3 protein function. This variant has not been reported in the literature in individuals affected with TNFAIP3-related conditions. This variant is present in population databases (no rsID available, gnomAD 0.003%). This sequence change replaces glutamine, which is neutral and polar, with proline, which is neutral and non-polar, at codon 74 of the TNFAIP3 protein (p.Gln74Pro).